The following is an entry in ClinVar:

NM_032776.3(JMJD1C):c.3199G>T (p.Asp1067Tyr)

Gene: JMJD1C (jumonji domain containing 1C; minus strand). Cytogenetic location: 10q21.3.
Variant type: single nucleotide variant.
Coding change: c.3199G>T on transcript NM_032776.3 (MANE Select); coding-DNA position 3199, G replaced by T.
Protein change: p.Asp1067Tyr; replaces aspartic acid 1067 with tyrosine.
Molecular consequence: missense variant. On other transcripts: non-coding transcript variant (1).
Genome position (GRCh38, 1-based): chr10:63,208,470, C>A on the plus strand (G>T on the coding strand, the complement: JMJD1C is on the minus strand). VCF-style: chr10-63208470-C-A. GRCh37 (hg19) VCF-style: chr10-64968230-C-A.
Other names: c.2653G>T, p.Asp885Tyr (NM_001282948.2, NM_001318154.2); c.2335G>T, p.Asp779Tyr (NM_001318153.2); c.3085G>T, p.Asp1029Tyr (NM_001322252.2); c.2542G>T, p.Asp848Tyr (NM_001322254.2, NM_001322258.2); short protein forms D1029Y, D779Y, D848Y, D1067Y, D885Y.
Identifiers: ClinVar variation 2894250 (VCV002894250.3), dbSNP rs1376845466, ClinGen allele CA377042627.
Genomic context (GRCh38, chr10:63,208,470, plus strand): 5'-TCTGAGGCACTGAGTGCTTCATTTTATAAAGATCTGATACTGAGCGTTCTACATCCATAT[C>A]TTGTTTGATGATATGGCTTTTAGGACTGGAAGATGATGATGCCACTCTGGAATAATTCTC-3'
Protein context (NP_116165.1, residues 1057-1077): SSPKSHIIKQ[Asp1067Tyr]MDVERSVSDL

ClinVar aggregate classification (germline): Uncertain significance (1 of 4 stars; one submission).

Conditions:
Early Myoclonic Encephalopathy. Identifiers: MedGen C0270855.

Allele frequency attached by ClinVar (database versions not stated): TOPMed below 0.00001; gnomAD exomes below 0.00001.
gnomAD v4.1: 2 of 1,613,972 alleles (0.00012%); highest among the groups gnomAD compares: Non-Finnish European, 0.00017%; no homozygotes.

Submission:

Labcorp Genetics (formerly Invitae), Labcorp
Classification: Uncertain significance for Early Myoclonic Encephalopathy. Last evaluated: 2023-01-30. Review status: criteria provided, single submitter. Criteria: Invitae Variant Classification Sherloc (09022015). Collection method: clinical testing. Allele origin: germline.
Comment: In summary, the available evidence is currently insufficient to determine the role of this variant in disease. Therefore, it has been classified as a Variant of Uncertain Significance. This sequence change replaces aspartic acid, which is acidic and polar, with tyrosine, which is neutral and polar, at codon 1067 of the JMJD1C protein (p.Asp1067Tyr). This variant is not present in population databases (gnomAD no frequency). This variant has not been reported in the literature in individuals affected with JMJD1C-related conditions. Advanced modeling of protein sequence and biophysical properties (such as structural, functional, and spatial information, amino acid conservation, physicochemical variation, residue mobility, and thermodynamic stability) performed at Invitae indicates that this missense variant is expected to disrupt JMJD1C protein function.